The following is an entry in ClinVar:

NM_032119.4(ADGRV1):c.2553+4T>G

Gene: ADGRV1 (adhesion G protein-coupled receptor V1; plus strand). Cytogenetic location: 5q14.3.
Variant type: single nucleotide variant.
Coding change: c.2553+4T>G on transcript NM_032119.4 (MANE Select); 4 bases into the intron after coding-DNA position 2553, T replaced by G.
Molecular consequence: intron variant.
Genome position (GRCh38, 1-based): chr5:90,643,045, T>G. VCF-style: chr5-90643045-T-G. GRCh37 (hg19) VCF-style: chr5-89938862-T-G.
Identifiers: ClinVar variation 1519456 (VCV001519456.6), dbSNP rs949285769, ClinGen allele CA121834452.
Genomic context (GRCh38, chr5:90,643,045, plus strand): 5'-CCTGGAGAAAGGGAGATAGTGATCACCTTGCTAGCAAGATTGGATGGGATACCAGAGGTA[T>G]GGGATTTTATATTTTCTTTGTGTTTCTCTGTAAGATTGATAGTATTTGGTATATTATGAA-3'

ClinVar aggregate classification (germline): Uncertain significance (1 of 4 stars; one submission).

Allele frequency attached by ClinVar (database versions not stated): gnomAD exomes below 0.00001; TOPMed below 0.00001; gnomAD 0.00001.
gnomAD v4.1: 3 of 1,607,760 alleles (0.00019%); highest among the groups gnomAD compares: African/African-American, 0.0027%; no homozygotes.

Submission:

Labcorp Genetics (formerly Invitae), Labcorp
Classification: Uncertain significance. Last evaluated: 2022-07-19. Review status: criteria provided, single submitter. Criteria: Invitae Variant Classification Sherloc (09022015). Collection method: clinical testing. Allele origin: germline.
Comment: In summary, the available evidence is currently insufficient to determine the role of this variant in disease. Therefore, it has been classified as a Variant of Uncertain Significance. Variants that disrupt the consensus splice site are a relatively common cause of aberrant splicing (PMID: 17576681, 9536098). Algorithms developed to predict the effect of sequence changes on RNA splicing suggest that this variant is not likely to affect RNA splicing. ClinVar contains an entry for this variant (Variation ID: 1519456). This variant has not been reported in the literature in individuals affected with ADGRV1-related conditions. This variant is present in population databases (no rsID available, gnomAD 0.0009%). This sequence change falls in intron 13 of the ADGRV1 gene. It does not directly change the encoded amino acid sequence of the ADGRV1 protein. It affects a nucleotide within the consensus splice site.

Literature cited by the submitters: PubMed 17576681; PubMed 9536098.